The following is an entry in ClinVar:

ClinVar aggregate classification (germline): Pathogenic (1 of 4 stars; one submission).

Submission:

Labcorp Genetics (formerly Invitae), Labcorp
Classification: Pathogenic. Last evaluated: 2021-10-27. Review status: criteria provided, single submitter. Criteria: Invitae Variant Classification Sherloc (09022015). Collection method: clinical testing. Allele origin: germline.
Comment: For these reasons, this variant has been classified as Pathogenic. This variant has not been reported in the literature in individuals affected with KMT2A-related conditions. This variant is a gross deletion of the genomic region encompassing exon(s) 32-33 of the KMT2A gene. This deletion is out-of-frame, and is expected to create a premature termination codon and result in an absent or disrupted protein product. Loss-of-function variants in KMT2A are known to be pathogenic (PMID: 22795537, 25810209, 29574747).

Literature cited by the submitters: PubMed 22795537; PubMed 25810209; PubMed 29574747.

NC_000011.9:g.(?_118390313)_(118390799_?)del

Gene: KMT2A (lysine methyltransferase 2A; plus strand). Cytogenetic location: 11q23.3.
Variant type: Deletion.
Identifiers: ClinVar variation 2423958 (VCV002423958.4).